The following is an entry in ClinVar:

NM_000016.6(ACADM):c.306_307insG (p.Phe103fs)

Gene: ACADM (acyl-CoA dehydrogenase medium chain; plus strand). Cytogenetic location: 1p31.1.
Variant type: Insertion.
Coding change: c.306_307insG on transcript NM_000016.6 (MANE Select); coding-DNA positions 306 to 307, G inserted.
Protein change: p.Phe103fs; shifts the reading frame from phenylalanine 103.
Molecular consequence: frameshift variant. On other transcripts: intron variant (1).
Genome position: GRCh38 VCF-style: chr1-75733547-T-TG. GRCh37 (hg19) VCF-style: chr1-76199232-T-TG.
Other names: c.318_319insG, p.Phe107fs (NM_001127328.3); c.198_199insG, p.Phe67fs (NM_001286042.2); c.405_406insG, p.Phe136fs (NM_001286043.2); c.-100+625_-100+626insG (NM_001286044.2); short protein forms F103fs, F107fs, F136fs, F67fs.
Identifiers: ClinVar variation 1677079 (VCV001677079.6), dbSNP rs2100365750, ClinGen allele CA2573132605.

ClinVar aggregate classification (germline): Pathogenic/Likely pathogenic. Review status: criteria provided, multiple submitters, no conflicts (2 of 4 stars). 4 submissions from 4 submitters: Pathogenic (3); Likely pathogenic (1). Last evaluated 2024-09-08.

Conditions:
Medium-chain acyl-coenzyme A dehydrogenase deficiency (ACADMD). Also called: MCADD; MCAD Deficiency; Medium chain acyl-CoA dehydrogenase deficiency; ACADM DEFICIENCY; CARNITINE DEFICIENCY SECONDARY TO MEDIUM-CHAIN ACYL-CoA DEHYDROGENASE DEFICIENCY; MCADH DEFICIENCY. Identifiers: Orphanet 42, MedGen C0220710, MONDO:0008721, OMIM 201450.

Allele frequency attached by ClinVar (database versions not stated): gnomAD exomes below 0.00001.

Submissions (4):

Natera, Inc.
Classification: Pathogenic for Medium Chain Acyl-CoA Dehydrogenase Deficiency. Last evaluated: 2024-09-08. Review status: criteria provided, single submitter. Criteria: Natera Variant Classification Schema (03/2026). Collection method: clinical testing. Allele origin: germline.
Comment: The c.306_307insG variant in ACADM is a frameshift variant predicted to shift the reading frame beginning at codon 103 and leads to a stop codon 2 codons downstream. This variant is expected to result in nonsense mediated decay, truncation, or a dysfunctional protein product. This variant is rare in the general population with a frequency below the threshold expected for the associated phenotype(s). This variant has been observed in one or more individuals affected with the associated recessive disease, as either homozygous or compound heterozygous with a second variant (PMID: 20434380). Given the available evidence, this variant is classified as Pathogenic.

Labcorp Genetics (formerly Invitae), Labcorp
Classification: Pathogenic for Medium-chain acyl-coenzyme A dehydrogenase deficiency. Last evaluated: 2023-05-30. Review status: criteria provided, single submitter. Criteria: Invitae Variant Classification Sherloc (09022015). Collection method: clinical testing. Allele origin: germline.
Comment: For these reasons, this variant has been classified as Pathogenic. ClinVar contains an entry for this variant (Variation ID: 1677079). This premature translational stop signal has been observed in individual(s) with medium-chain acyl-coA dehydrogenase (MCAD) deficiency (PMID: 20434380). This variant is not present in population databases (gnomAD no frequency). This sequence change creates a premature translational stop signal (p.Phe103Valfs*2) in the ACADM gene. It is expected to result in an absent or disrupted protein product. Loss-of-function variants in ACADM are known to be pathogenic (PMID: 16121256, 20434380).

Baylor Genetics
Classification: Pathogenic for Medium-chain acyl-coenzyme A dehydrogenase deficiency. Last evaluated: 2022-09-23. Review status: criteria provided, single submitter. Criteria: ACMG Guidelines, 2015. Collection method: clinical testing. Allele origin: unknown.

Women's Health and Genetics/Laboratory Corporation of America, LabCorp
Classification: Likely pathogenic for Medium-chain acyl-coenzyme A dehydrogenase deficiency. Last evaluated: 2022-03-10. Review status: criteria provided, single submitter. Criteria: LabCorp Variant Classification Summary - May 2015. Collection method: clinical testing. Allele origin: germline.
Comment: Variant summary: ACADM c.306_307insG (p.Phe103ValfsX2) results in a premature termination codon, predicted to cause a truncation of the encoded protein or absence of the protein due to nonsense mediated decay, which are commonly known mechanisms for disease. Truncations downstream of this position have been classified as pathogenic by our laboratory. The variant was absent in 251416 control chromosomes (gnomAD). c.306_307insG has been reported in the literature in a compound heterozygous individual affected with Medium Chain Acyl-CoA Dehydrogenase Deficiency (Smith_2010). To our knowledge, no experimental evidence demonstrating an impact on protein function has been reported. No clinical diagnostic laboratories have submitted clinical-significance assessments for this variant to ClinVar after 2014. Based on the evidence outlined above, the variant was classified as likely pathogenic.

Literature cited by the submitters: PubMed 20434380 (cited by 3 submitters); PubMed 16121256 (cited by Labcorp Genetics (formerly Invitae), Labcorp).